The following is an entry in ClinVar:

ClinVar aggregate classification (germline): Uncertain significance. Review status: criteria provided, multiple submitters, no conflicts (2 of 4 stars). 2 submissions from 2 submitters: Uncertain significance (2). Last evaluated 2023-05-25.

Conditions:
Inborn genetic diseases. Identifiers: MedGen C0950123, MeSH D030342.

Allele frequency attached by ClinVar (database versions not stated): TOPMed below 0.00001.

Submissions (2):

GeneDx
Classification: Uncertain significance. Last evaluated: 2023-05-25. Review status: criteria provided, single submitter. Criteria: GeneDx Variant Classification Process June 2021. Collection method: clinical testing. Allele origin: germline. Affected: yes.
Comment: Not observed at significant frequency in large population cohorts (gnomAD); In silico analysis supports that this missense variant does not alter protein structure/function; Has not been previously published as pathogenic or benign to our knowledge

Ambry Genetics
Classification: Uncertain significance for Inborn genetic diseases. Last evaluated: 2023-01-23. Review status: criteria provided, single submitter. Criteria: Ambry Variant Classification Scheme 2023. Collection method: clinical testing. Allele origin: germline.

NM_003999.3(OSMR):c.2596T>G (p.Ser866Ala)

Gene: OSMR (oncostatin M receptor; plus strand). Cytogenetic location: 5p13.1.
Variant type: single nucleotide variant.
Coding change: c.2596T>G on transcript NM_003999.3 (MANE Select); coding-DNA position 2596, T replaced by G.
Protein change: p.Ser866Ala; replaces serine 866 with alanine.
Molecular consequence: missense variant.
Genome position (GRCh38, 1-based): chr5:38,933,100, T>G. VCF-style: chr5-38933100-T-G. GRCh37 (hg19) VCF-style: chr5-38933202-T-G.
Other names: c.2596T>G, p.Ser866Ala (NM_001323505.2); c.2599T>G, p.Ser867Ala (NM_001323506.2); short protein forms S866A, S867A.
Identifiers: ClinVar variation 2477243 (VCV002477243.3), dbSNP rs1579820098, ClinGen allele CA359546859.